The following is an entry in ClinVar:

ClinVar aggregate classification (germline): Uncertain significance. Review status: criteria provided, multiple submitters, no conflicts (2 of 4 stars). 3 submissions from 3 submitters: Uncertain significance (3). Last evaluated 2024-12-02.

Conditions:
Growth delay due to insulin-like growth factor I resistance. Also called: Somatomedin end-organ insensitivity to; Somatomedin-c resistance to; IGF-1 resistance; IGF-I RESISTANCE; Insulin-Like Growth Factor I Resistance. Identifiers: Orphanet 73273, MedGen C1849157, MONDO:0010038, OMIM 270450.

Allele frequency attached by ClinVar (database versions not stated): ExAC 0.00001; gnomAD 0.00001; gnomAD exomes 0.00001; TOPMed 0.00002.
gnomAD v4.1: 15 of 1,614,206 alleles (0.00093%); highest among the groups gnomAD compares: Admixed American, 0.0033%; no homozygotes.

Submissions (3):

Labcorp Genetics (formerly Invitae), Labcorp
Classification: Uncertain significance. Last evaluated: 2024-12-02. Review status: criteria provided, single submitter. Criteria: Invitae Variant Classification Sherloc (09022015). Collection method: clinical testing. Allele origin: germline.
Comment: This sequence change replaces arginine, which is basic and polar, with tryptophan, which is neutral and slightly polar, at codon 513 of the IGF1R protein (p.Arg513Trp). This variant is present in population databases (rs760388654, gnomAD 0.004%). This variant has not been reported in the literature in individuals affected with IGF1R-related conditions. ClinVar contains an entry for this variant (Variation ID: 887903). Invitae Evidence Modeling of protein sequence and biophysical properties (such as structural, functional, and spatial information, amino acid conservation, physicochemical variation, residue mobility, and thermodynamic stability) indicates that this missense variant is not expected to disrupt IGF1R protein function with a negative predictive value of 80%. In summary, the available evidence is currently insufficient to determine the role of this variant in disease. Therefore, it has been classified as a Variant of Uncertain Significance.

Illumina Laboratory Services, Illumina
Classification: Uncertain significance for Growth delay due to insulin-like growth factor I resistance. Last evaluated: 2018-01-13. Review status: criteria provided, single submitter. Criteria: ICSL Variant Classification Criteria 13 December 2019. Collection method: clinical testing. Allele origin: germline.

Breakthrough Genomics
Classification: Uncertain significance. Review status: criteria provided, single submitter. Criteria: ACMG Guidelines, 2015. Collection method: not provided. Allele origin: germline. Inheritance: Autosomal recessive inheritance. Affected: yes.

NM_000875.5(IGF1R):c.1537C>T (p.Arg513Trp)

Gene: IGF1R (insulin like growth factor 1 receptor; plus strand). Cytogenetic location: 15q26.3.
Variant type: single nucleotide variant.
Coding change: c.1537C>T on transcript NM_000875.5 (MANE Select); coding-DNA position 1537, C replaced by T.
Protein change: p.Arg513Trp; replaces arginine 513 with tryptophan.
Molecular consequence: missense variant.
Genome position (GRCh38, 1-based): chr15:98,911,389, C>T. VCF-style: chr15-98911389-C-T. GRCh37 (hg19) VCF-style: chr15-99454618-C-T.
Other names: c.1537C>T, p.Arg513Trp (NM_001291858.2); short protein forms R513W.
Identifiers: ClinVar variation 887903 (VCV000887903.9), dbSNP rs760388654, ClinGen allele CA7752123.